The following is an entry in ClinVar:

ClinVar aggregate classification (germline): Benign/Likely benign. Review status: criteria provided, multiple submitters, no conflicts (2 of 4 stars). 3 submissions from 3 submitters: Benign (1); Likely benign (1). 1 of the submissions does not count toward it. Last evaluated 2026-01-06.

Conditions:
RCBTB1-related disorder. Also called: RCBTB1-related condition.

Allele frequency attached by ClinVar (database versions not stated): gnomAD exomes 0.00029 and 0.00088; ExAC 0.00110; gnomAD 0.00349 and 0.00369; TOPMed 0.00382; 1000 Genomes Project 0.00479; 1000 Genomes Project 30x 0.00531.
gnomAD v4.1: 963 of 1,610,880 alleles (0.06%); highest among the groups gnomAD compares: African/African-American, 1.1%; 5 homozygotes.

Submissions (3):

Labcorp Genetics (formerly Invitae), Labcorp
Classification: Benign. Last evaluated: 2026-01-06. Review status: criteria provided, single submitter. Criteria: Invitae Variant Classification Sherloc (09022015). Collection method: clinical testing. Allele origin: germline.

Blueprint Genetics
Classification: Likely benign. Last evaluated: 2024-10-21. Review status: criteria provided, single submitter. Criteria: ACMG Guidelines, 2015. Collection method: clinical testing. Allele origin: germline.

PreventionGenetics, part of Exact Sciences
Classification: Benign for RCBTB1-related condition. Last evaluated: 2019-08-02. Review status: no assertion criteria provided. Collection method: clinical testing. Allele origin: germline. Not counted in ClinVar's aggregate classification.
Comment: This variant is classified as benign based on ACMG/AMP sequence variant interpretation guidelines (Richards et al. 2015 PMID: 25741868, with internal and published modifications).

NM_018191.4(RCBTB1):c.1455+12A>G

Gene: RCBTB1 (RCC1 and BTB domain containing protein 1; minus strand). Cytogenetic location: 13q14.2.
Variant type: single nucleotide variant.
Coding change: c.1455+12A>G on transcript NM_018191.4 (MANE Select); 12 bases into the intron after coding-DNA position 1455, A replaced by G.
Molecular consequence: intron variant. On other transcripts: 3 prime UTR variant (1).
Genome position (GRCh38, 1-based): chr13:49,540,864, T>C on the plus strand (A>G on the coding strand, the complement: RCBTB1 is on the minus strand). VCF-style: chr13-49540864-T-C. GRCh37 (hg19) VCF-style: chr13-50115000-T-C.
Other names: c.1455+12A>G (NM_018191.3, NM_001352501.2, NM_001352502.2 and 2 more transcripts); c.*3A>G (NM_001352504.2); c.876+12A>G (NM_001352506.2).
Identifiers: ClinVar variation 1165725 (VCV001165725.12), dbSNP rs192420035, ClinGen allele CA6982571.